The following is an entry in ClinVar:

ClinVar aggregate classification (germline): Pathogenic (1 of 4 stars; one submission).

Submission:

Labcorp Genetics (formerly Invitae), Labcorp
Classification: Pathogenic. Last evaluated: 2025-02-26. Review status: criteria provided, single submitter. Criteria: Invitae Variant Classification Sherloc (09022015). Collection method: clinical testing. Allele origin: germline.
Comment: This sequence change creates a premature translational stop signal (p.Trp239*) in the LRP2 gene. It is expected to result in an absent or disrupted protein product. Loss-of-function variants in LRP2 are known to be pathogenic (PMID: 17632512, 25682901). This variant is not present in population databases (gnomAD no frequency). This variant has not been reported in the literature in individuals affected with LRP2-related conditions. For these reasons, this variant has been classified as Pathogenic.

Literature cited by the submitters: PubMed 17632512; PubMed 25682901.

NM_004525.3(LRP2):c.717G>A (p.Trp239Ter)

Gene: LRP2 (LDL receptor related protein 2; minus strand). Cytogenetic location: 2q31.1.
Variant type: single nucleotide variant.
Coding change: c.717G>A on transcript NM_004525.3 (MANE Select); coding-DNA position 717, G replaced by A.
Protein change: p.Trp239Ter; replaces tryptophan 239 with a stop codon.
Molecular consequence: nonsense.
Genome position (GRCh38, 1-based): chr2:169,292,305, C>T on the plus strand (G>A on the coding strand, the complement: LRP2 is on the minus strand). VCF-style: chr2-169292305-C-T. GRCh37 (hg19) VCF-style: chr2-170148815-C-T.
Other names: short protein forms W239*.
Identifiers: ClinVar variation 4805054 (VCV004805054.1).
Genomic context (GRCh38, chr2:169,292,305, plus strand): 5'-CTCCTTACCACATCCATCTTCATCTCCATTATCTTTACAGTCATCTTCTCCATCACAAAC[C>T]CAGTTTTGATAAATGCATCGGCCACTGGGGCAAGTGAACTGGTAACCACCGCAGGTCGGA-3'